The following is an entry in ClinVar:

NM_002506.3(NGF):c.146G>A (p.Arg49His)

Genes: NGF (nerve growth factor; minus strand), NGF-AS1 (NGF antisense RNA 1; plus strand). Cytogenetic location: 1p13.2.
Variant type: single nucleotide variant.
Coding change: c.146G>A on transcript NM_002506.3 (MANE Select); coding-DNA position 146, G replaced by A.
Protein change: p.Arg49His; replaces arginine 49 with histidine.
Molecular consequence: missense variant.
Genome position (GRCh38, 1-based): chr1:115,286,650, C>T on the plus strand (G>A on the coding strand, the complement: NGF is on the minus strand). VCF-style: chr1-115286650-C-T. GRCh37 (hg19) VCF-style: chr1-115829271-C-T.
Other names: short protein forms R49H.
Identifiers: ClinVar variation 644505 (VCV000644505.38), dbSNP rs781072056, ClinGen allele CA29767718.

ClinVar aggregate classification (germline): Uncertain significance. Review status: criteria provided, multiple submitters, no conflicts (2 of 4 stars). 5 submissions from 5 submitters: Uncertain significance (5). Last evaluated 2024-01-01.

Conditions:
NGF-related disorder. Also called: NGF-related condition.
Congenital sensory neuropathy with selective loss of small myelinated fibers (HSAN5). Also called: HSAN Type V. Identifiers: Orphanet 64752, MedGen C0020075, MONDO:0012092, OMIM 608654.
Inborn genetic diseases. Identifiers: MedGen C0950123, MeSH D030342.

Allele frequency attached by ClinVar (database versions not stated): gnomAD 0.00002; TOPMed 0.00002.
gnomAD v4.1: 36 of 1,614,084 alleles (0.0022%); highest among the groups gnomAD compares: Non-Finnish European, 0.0028%; no homozygotes.

Submissions (5):

CeGaT Center for Human Genetics Tuebingen
Classification: Uncertain significance. Last evaluated: 2024-01-01. Review status: criteria provided, single submitter. Criteria: CeGaT Center For Human Genetics Tuebingen Variant Classification Criteria Version 2. Collection method: clinical testing. Allele origin: germline. Affected: yes. Observed: 1 variant allele.
Comment: NGF: PM2, BP4

Genome-Nilou Lab
Classification: Uncertain significance for Congenital sensory neuropathy with selective loss of small myelinated fibers. Last evaluated: 2023-04-11. Review status: criteria provided, single submitter. Criteria: ACMG Guidelines, 2015. Collection method: clinical testing. Allele origin: germline. Affected: no.

Ambry Genetics
Classification: Uncertain significance for Inborn genetic diseases. Last evaluated: 2022-01-18. Review status: criteria provided, single submitter. Criteria: Ambry Variant Classification Scheme 2023. Collection method: clinical testing. Allele origin: germline.

Labcorp Genetics (formerly Invitae), Labcorp
Classification: Uncertain significance for Congenital sensory neuropathy with selective loss of small myelinated fibers. Last evaluated: 2021-08-20. Review status: criteria provided, single submitter. Criteria: Invitae Variant Classification Sherloc (09022015). Collection method: clinical testing. Allele origin: germline.
Comment: This sequence change replaces arginine with histidine at codon 49 of the NGF protein (p.Arg49His). The arginine residue is moderately conserved and there is a small physicochemical difference between arginine and histidine. This variant is not present in population databases (ExAC no frequency). This variant has not been reported in the literature in individuals affected with NGF-related conditions. Algorithms developed to predict the effect of missense changes on protein structure and function output the following: SIFT: "Tolerated"; PolyPhen-2: "Benign"; Align-GVGD: "Class C0". The histidine amino acid residue is found in multiple mammalian species, which suggests that this missense change does not adversely affect protein function. In summary, the available evidence is currently insufficient to determine the role of this variant in disease. Therefore, it has been classified as a Variant of Uncertain Significance.

Illumina Laboratory Services, Illumina
Classification: Uncertain significance for Congenital sensory neuropathy with selective loss of small myelinated fibers. Last evaluated: 2018-01-13. Review status: criteria provided, single submitter. Criteria: ICSL Variant Classification Criteria 13 December 2019. Collection method: clinical testing. Allele origin: germline.